The following is an entry in ClinVar:

NM_181882.3(PRX):c.2134C>T (p.Pro712Ser)

Gene: PRX (periaxin; minus strand). Cytogenetic location: 19q13.2.
Variant type: single nucleotide variant.
Coding change: c.2134C>T on transcript NM_181882.3 (MANE Select); coding-DNA position 2134, C replaced by T.
Protein change: p.Pro712Ser; replaces proline 712 with serine.
Molecular consequence: missense variant. On other transcripts: 3 prime UTR variant (1).
Genome position (GRCh38, 1-based): chr19:40,396,218, G>A on the plus strand (C>T on the coding strand, the complement: PRX is on the minus strand). VCF-style: chr19-40396218-G-A. GRCh37 (hg19) VCF-style: chr19-40902125-G-A.
Other names: c.*2339C>T (NM_020956.2); short protein forms P712S.
Identifiers: ClinVar variation 663440 (VCV000663440.7), dbSNP rs1463490551, ClinGen allele CA405896935.

ClinVar aggregate classification (germline): Uncertain significance (1 of 4 stars; one submission).

Conditions:
Charcot-Marie-Tooth disease type 4. Also called: Charcot-Marie-Tooth, Type 4; Charcot-Marie-Tooth disease, type IV. Identifiers: Orphanet 64749, MedGen C4082197, MONDO:0018995.

Allele frequency attached by ClinVar (database versions not stated): gnomAD exomes below 0.00001.
gnomAD v4.1: 7 of 1,613,302 alleles (0.00043%); highest among the groups gnomAD compares: South Asian, 0.0011%; no homozygotes.

Submission:

Labcorp Genetics (formerly Invitae), Labcorp
Classification: Uncertain significance for Charcot-Marie-Tooth disease type 4. Last evaluated: 2022-06-22. Review status: criteria provided, single submitter. Criteria: Invitae Variant Classification Sherloc (09022015). Collection method: clinical testing. Allele origin: germline.
Comment: This sequence change replaces proline, which is neutral and non-polar, with serine, which is neutral and polar, at codon 712 of the PRX protein (p.Pro712Ser). This variant is present in population databases (no rsID available, gnomAD no frequency). This variant has not been reported in the literature in individuals affected with PRX-related conditions. ClinVar contains an entry for this variant (Variation ID: 663440). Algorithms developed to predict the effect of missense changes on protein structure and function are either unavailable or do not agree on the potential impact of this missense change (SIFT: "Tolerated"; PolyPhen-2: "Possibly Damaging"; Align-GVGD: "Class C0"). In summary, the available evidence is currently insufficient to determine the role of this variant in disease. Therefore, it has been classified as a Variant of Uncertain Significance.